The following is an entry in ClinVar:

ClinVar aggregate classification (germline): Uncertain significance. Review status: criteria provided, multiple submitters, no conflicts (2 of 4 stars). 7 submissions from 7 submitters: Uncertain significance (7). Last evaluated 2025-08-13.

Conditions:
Inborn genetic diseases. Identifiers: MedGen C0950123, MeSH D030342.
Chédiak-Higashi syndrome (CHS). Also called: Chediak-Higashi Syndrome. Identifiers: Orphanet 167, MedGen C0007965, MONDO:0008963, OMIM 214500.

Allele frequency attached by ClinVar (database versions not stated): gnomAD exomes 0.00002; ExAC 0.00007; 1000 Genomes Project 30x 0.00016; 1000 Genomes Project 0.00020; gnomAD 0.00026; TOPMed 0.00033.
gnomAD v4.1: 78 of 1,613,950 alleles (0.0048%); highest among the groups gnomAD compares: African/African-American, 0.091%; no homozygotes.

Submissions (7):

Dasa
Classification: Uncertain significance for Chediak-Higashi syndrome. Last evaluated: 2025-08-13. Review status: criteria provided, single submitter. Criteria: DASA Assertion Criteria. Collection method: clinical testing. Allele origin: germline.
Comment: NM_000081.4(LYST):c.1610C>T (p.Ala537Val) is a missense variant that results in the substitution of alanine with valine. This variant is rare in population databases. Computational prediction algorithms are consistent with a benign effect. The currently available literature and clinical evidence are not sufficient to establish a definitive association between this variant and the reported condition. Therefore, this variant is classified as a variant of uncertain significance.

Labcorp Genetics (formerly Invitae), Labcorp
Classification: Uncertain significance for Chédiak-Higashi syndrome. Last evaluated: 2025-01-13. Review status: criteria provided, single submitter. Criteria: Invitae Variant Classification Sherloc (09022015). Collection method: clinical testing. Allele origin: germline.
Comment: This sequence change replaces alanine, which is neutral and non-polar, with valine, which is neutral and non-polar, at codon 537 of the LYST protein (p.Ala537Val). This variant is present in population databases (rs560724911, gnomAD 0.07%). This variant has not been reported in the literature in individuals affected with LYST-related conditions. ClinVar contains an entry for this variant (Variation ID: 571499). Invitae Evidence Modeling of protein sequence and biophysical properties (such as structural, functional, and spatial information, amino acid conservation, physicochemical variation, residue mobility, and thermodynamic stability) indicates that this missense variant is not expected to disrupt LYST protein function with a negative predictive value of 80%. In summary, the available evidence is currently insufficient to determine the role of this variant in disease. Therefore, it has been classified as a Variant of Uncertain Significance.

GeneDx
Classification: Uncertain significance. Last evaluated: 2024-08-08. Review status: criteria provided, single submitter. Criteria: GeneDx Variant Classification Process June 2021. Collection method: clinical testing. Allele origin: germline. Affected: yes.
Comment: In silico analysis indicates that this missense variant does not alter protein structure/function; Has not been previously published as pathogenic or benign to our knowledge

Ambry Genetics
Classification: Uncertain significance for Inborn genetic diseases. Last evaluated: 2021-09-17. Review status: criteria provided, single submitter. Criteria: Ambry Variant Classification Scheme 2023. Collection method: clinical testing. Allele origin: germline.

Blueprint Genetics
Classification: Uncertain significance. Last evaluated: 2020-12-28. Review status: criteria provided, single submitter. Criteria: ACMG Guidelines, 2015. Collection method: clinical testing. Allele origin: germline.

Revvity Omics, Revvity
Classification: Uncertain significance for Chédiak-Higashi syndrome. Last evaluated: 2020-01-31. Review status: criteria provided, single submitter. Criteria: ACMG Guidelines, 2015. Collection method: clinical testing. Allele origin: germline.

Baylor Genetics
Classification: Uncertain significance for Chédiak-Higashi syndrome. Last evaluated: 2018-11-07. Review status: criteria provided, single submitter. Criteria: ACMG Guidelines, 2015. Collection method: clinical testing. Allele origin: paternal. Affected: yes.
Comment: This variant was determined to be of uncertain significance according to ACMG Guidelines, 2015 [PMID:25741868].

NM_000081.4(LYST):c.1610C>T (p.Ala537Val)

Gene: LYST (lysosomal trafficking regulator; minus strand). Cytogenetic location: 1q42.3.
Variant type: single nucleotide variant.
Coding change: c.1610C>T on transcript NM_000081.4 (MANE Select); coding-DNA position 1610, C replaced by T.
Protein change: p.Ala537Val; replaces alanine 537 with valine.
Molecular consequence: missense variant.
Genome position (GRCh38, 1-based): chr1:235,809,208, G>A on the plus strand (C>T on the coding strand, the complement: LYST is on the minus strand). VCF-style: chr1-235809208-G-A. GRCh37 (hg19) VCF-style: chr1-235972508-G-A.
Other names: c.1610C>T, p.Ala537Val (NM_001301365.1); short protein forms A537V.
Identifiers: ClinVar variation 571499 (VCV000571499.13), dbSNP rs560724911, ClinGen allele CA1467442.